The following is an entry in ClinVar:

NM_004984.4(KIF5A):c.1373C>T (p.Ser458Phe)

Gene: KIF5A (kinesin family member 5A; plus strand). Cytogenetic location: 12q13.3.
Variant type: single nucleotide variant.
Coding change: c.1373C>T on transcript NM_004984.4 (MANE Select); coding-DNA position 1373, C replaced by T.
Protein change: p.Ser458Phe; replaces serine 458 with phenylalanine.
Molecular consequence: missense variant.
Genome position (GRCh38, 1-based): chr12:57,572,071, C>T. VCF-style: chr12-57572071-C-T. GRCh37 (hg19) VCF-style: chr12-57965854-C-T.
Other names: c.1106C>T, p.Ser369Phe (NM_001354705.2); short protein forms S369F, S458F.
Identifiers: ClinVar variation 1522802 (VCV001522802.8), dbSNP rs1445439522, ClinGen allele CA385505923.
Genomic context (GRCh38, chr12:57,572,071, plus strand): 5'-AATGGTCACTGGCAGTGATCTTTCCCACATGCCACTCCTCTCCCTTGAAGCTGCTGGTGT[C>T]CACCCGAGGAGACAACGAGAAGGTCCAGCGGGAGCTGAGCCACCTGCAATCAGAGAACGA-3'
Protein context (NP_004975.2, residues 448-468): QMLDQEELLV[Ser458Phe]TRGDNEKVQR

ClinVar aggregate classification (germline): Uncertain significance (1 of 4 stars; one submission).

Conditions:
Spastic paraplegia. Identifiers: MedGen C0037772, HP:0001258.

Allele frequency attached by ClinVar (database versions not stated): gnomAD exomes below 0.00001; gnomAD 0.00001; TOPMed 0.00001.
gnomAD v4.1: 8 of 1,613,040 alleles (0.0005%); highest among the groups gnomAD compares: African/African-American, 0.0013%; no homozygotes.

Submission:

Labcorp Genetics (formerly Invitae), Labcorp
Classification: Uncertain significance for Spastic paraplegia. Last evaluated: 2025-05-01. Review status: criteria provided, single submitter. Criteria: Invitae Variant Classification Sherloc (09022015). Collection method: clinical testing. Allele origin: germline.
Comment: This sequence change replaces serine, which is neutral and polar, with phenylalanine, which is neutral and non-polar, at codon 458 of the KIF5A protein (p.Ser458Phe). This variant is not present in population databases (gnomAD no frequency). This variant has not been reported in the literature in individuals affected with KIF5A-related conditions. ClinVar contains an entry for this variant (Variation ID: 1522802). Invitae Evidence Modeling of protein sequence and biophysical properties (such as structural, functional, and spatial information, amino acid conservation, physicochemical variation, residue mobility, and thermodynamic stability) has been performed for this missense variant. However, the output from this modeling did not meet the statistical confidence thresholds required to predict the impact of this variant on KIF5A protein function. In summary, the available evidence is currently insufficient to determine the role of this variant in disease. Therefore, it has been classified as a Variant of Uncertain Significance.